The following is an entry in ClinVar:

ClinVar aggregate classification (germline): Uncertain significance (1 of 4 stars; one submission).

gnomAD v4.1: 1 of 1,614,088 alleles (0.000062%); highest among the groups gnomAD compares: Non-Finnish European, 0.000085%; no homozygotes.

Submission:

Greenwood Genetic Center Diagnostic Laboratories, Greenwood Genetic Center
Classification: Uncertain significance. Last evaluated: 2025-03-04. Review status: criteria provided, single submitter. Criteria: ACMG Guidelines, 2015. Collection method: clinical testing. Allele origin: germline.
Comment: PM2, PP2

NM_001042424.3(NSD2):c.715A>G (p.Met239Val)

Gene: NSD2 (nuclear receptor binding SET domain protein 2; plus strand). Cytogenetic location: 4p16.3.
Variant type: single nucleotide variant.
Coding change: c.715A>G on transcript NM_001042424.3 (MANE Select); coding-DNA position 715, A replaced by G.
Protein change: p.Met239Val; replaces methionine 239 with valine.
Molecular consequence: missense variant. On other transcripts: 5 prime UTR variant (1), intron variant (1).
Genome position (GRCh38, 1-based): chr4:1,904,333, A>G. VCF-style: chr4-1904333-A-G. GRCh37 (hg19) VCF-style: chr4-1906060-A-G.
Other names: c.715A>G, p.Met239Val (NM_001440892.1, NM_001440894.1, NM_001440895.1 and 8 more transcripts); c.814A>G, p.Met272Val (NM_001440893.1); c.-359A>G (NM_001440900.1); c.-210+3082A>G (NM_001440899.1); short protein forms M239V, M272V.
Identifiers: ClinVar variation 4851709 (VCV004851709.1).